The following is an entry in ClinVar:

ClinVar aggregate classification (germline): Uncertain significance (1 of 4 stars; one submission).

Conditions:
Atypical hemolytic-uremic syndrome. Identifiers: Orphanet 2134, MedGen C2931788, MONDO:0016244.
Basal laminar drusen. Also called: DRUSEN OF BRUCH MEMBRANE; DRUSEN, CUTICULAR; DRUSEN, EARLY ADULT-ONSET, GROUPED. Identifiers: Orphanet 75376, MedGen C0730295, MONDO:0007472, OMIM 126700.
Factor H deficiency (CFHD). Also called: COMPLEMENT FACTOR H DEFICIENCY; CFH DEFICIENCY. Identifiers: Orphanet 200421, MedGen C0398777, MONDO:0012350, OMIM 609814.
Age related macular degeneration 4. Identifiers: MedGen C1853147, MONDO:0012540, OMIM 610698.

Submission:

Genomenon, Inc
Classification: Uncertain significance for Basal laminar drusen; Age related macular degeneration 4; Atypical hemolytic-uremic syndrome; Factor H deficiency. Last evaluated: 2025-10-02. Review status: criteria provided, single submitter. Criteria: Genomenon Sequence Variant Interpretation Standards - Updated. Collection method: curation. Allele origin: germline. Affected: no.
Comment: CFH p.Asn339Ser (c.1016A>G) is a missense variant that changes the amino acid at residue 339 from Asparagine to Serine. This variant has been reported in the published literature (PMID:19273554). It is absent or not present at a significant frequency in gnomAD. In silico models agree that this variant is not damaging. In conclusion, we classify CFH p.Asn339Ser (c.1016A>G) as a variant of uncertain significance.

Literature cited by the submitters: PubMed 19273554.

NM_000186.4(CFH):c.1016A>G (p.Asn339Ser)

Gene: CFH (complement factor H; plus strand). Cytogenetic location: 1q31.3.
Variant type: single nucleotide variant.
Coding change: c.1016A>G on transcript NM_000186.4 (MANE Select); coding-DNA position 1016, A replaced by G.
Protein change: p.Asn339Ser; replaces asparagine 339 with serine.
Molecular consequence: missense variant.
Genome position (GRCh38, 1-based): chr1:196,689,471, A>G. VCF-style: chr1-196689471-A-G. GRCh37 (hg19) VCF-style: chr1-196658601-A-G.
Other names: c.1016A>G, p.Asn339Ser (NM_001014975.3); short protein forms N339S.
Identifiers: ClinVar variation 4291346 (VCV004291346.1).